The following is an entry in ClinVar:

ClinVar aggregate classification (germline): Pathogenic (1 of 4 stars; one submission).

Submission:

Quest Diagnostics Nichols Institute San Juan Capistrano
Classification: Pathogenic. Last evaluated: 2024-03-15. Review status: criteria provided, single submitter. Criteria: ACMG/ClinGen CNV Guidelines, 2019. Collection method: clinical testing. Allele origin: unknown.
Comment: This gain involves at least 150 protein-coding genes. Terminal 8q gains of various sizes have been reported in individuals with a range of phenotypes (Bonaglia 2005, Concolino 2012, Rezek 2014, Wheeler 2010). There are no similar copy number gains of this region in the general populations of the Database of Genomic Variants. Thus, based on current medical literature and gene count, this CNV is classified as pathogenic. References: Bonaglia et al., Eur J Hum Genet. 2005 May;13(5):586-91., PMID: 15657611; Concolino et al., Eur J Med Genet. 2012 Jan;55(1):67-70., PMID: 21971480; Rezek et al., Case Rep Dent. 2014;2014:730375., PMID: 25506438;Wheeler et al., Am J Med Genet A. 2010 Feb;152A(2):459-63. PMID: 20101682

GRCh37/hg19 8q23.2-24.3(chr8:111432348-146295771)x3

Genes: HAS2 (hyaluronan synthase 2; minus strand), HSF1 (heat shock transcription factor 1; plus strand), JRK (Jrk helix-turn-helix protein; minus strand), LRATD2 (LRAT domain containing 2; minus strand), LRRC14 (leucine rich repeat containing 14; plus strand) and 170 more. Cytogenetic location: 8q23.2-24.3.
Variant type: copy number gain.
Change: copy number 3 (three copies instead of two) of chr8:111,432,348-146,295,771 (34.86 Mb, GRCh37 coordinates, 1-based), cytogenetic band 8q23.2-24.3.
Identifiers: ClinVar variation 3391849 (VCV003391849.1).